The following is an entry in ClinVar:

ClinVar aggregate classification (germline): Benign. Review status: reviewed by expert panel (3 of 4 stars). 3 submissions from 3 submitters: Benign (1). 2 of the submissions do not count toward it. Last evaluated 2016-09-28.

Conditions:
Breast-ovarian cancer, familial, susceptibility to, 2 (BROVCA2). Also called: BRCA2 Hereditary Breast and Ovarian Cancer. Identifiers: Orphanet 145, MedGen C2675520, MONDO:0012933, OMIM 612555. Disease mechanism: loss of function.

Allele frequency attached by ClinVar (database versions not stated): TOPMed 0.99805; gnomAD 0.99815 and 0.99832; 1000 Genomes Project 30x 0.99859; 1000 Genomes Project 0.99860.
gnomAD v4.1: 152,138 of 152,394 alleles (100%); highest among the groups gnomAD compares: East Asian, 100%; 75,941 homozygotes.

Submissions (3):

Evidence-based Network for the Interpretation of Germline Mutant Alleles (ENIGMA)
Classification: Benign for Breast-ovarian cancer, familial, susceptibility to, 2. Last evaluated: 2016-09-28. Review status: reviewed by expert panel. Criteria: ENIGMA BRCA1/2 Classification Criteria (2015). Collection method: curation. Allele origin: germline.
Comment: Class 1 not pathogenic based on frequency >1% in an outbred sampleset. Frequency 1 (European), 0.9947 (African), 1 (Admixed American/Latino), 1 (East Asian), 1 (South Asian), derived from 1000 genomes (2013-05-02).

GeneDx
Classification: Benign. Last evaluated: 2018-06-22. Review status: criteria provided, single submitter. Criteria: GeneDx Variant Classification Process June 2021. Collection method: clinical testing. Allele origin: germline. Affected: yes. Not counted in ClinVar's aggregate classification.

Breakthrough Genomics
Classification: Benign. Review status: criteria provided, single submitter. Criteria: ACMG Guidelines, 2015. Collection method: not provided. Allele origin: germline. Inheritance: Autosomal recessive inheritance. Affected: yes. Not counted in ClinVar's aggregate classification.

NM_000059.4(BRCA2):c.7617+190G>A

Gene: BRCA2 (BRCA2 DNA repair associated; plus strand). Cytogenetic location: 13q13.1.
Variant type: single nucleotide variant.
Coding change: c.7617+190G>A on transcript NM_000059.4 (MANE Select); 190 bases into the intron after coding-DNA position 7617, G replaced by A.
Molecular consequence: intron variant.
Genome position (GRCh38, 1-based): chr13:32,356,799, G>A. VCF-style: chr13-32356799-G-A. GRCh37 (hg19) VCF-style: chr13-32930936-G-A.
Identifiers: ClinVar variation 264968 (VCV000264968.4), dbSNP rs206096, ClinGen allele CA10588121.